The following is an entry in ClinVar:

ClinVar aggregate classification (germline): Likely benign. Review status: criteria provided, single submitter (1 of 4 stars). 2 submissions from 2 submitters: Likely benign (1). 1 of the submissions does not count toward it. Last evaluated 2025-11-25.

Conditions:
GCM2-related disorder. Also called: GCM2-related condition.

Allele frequency attached by ClinVar (database versions not stated): ExAC 0.00031; 1000 Genomes Project 0.00040; 1000 Genomes Project 30x 0.00047; gnomAD 0.00094; TOPMed 0.00115; ESP Exome Variant Server 0.00154.

Submissions (2):

Labcorp Genetics (formerly Invitae), Labcorp
Classification: Likely benign. Last evaluated: 2025-11-25. Review status: criteria provided, single submitter. Criteria: Invitae Variant Classification Sherloc (09022015). Collection method: clinical testing. Allele origin: germline.

PreventionGenetics, part of Exact Sciences
Classification: Likely benign for GCM2-related condition. Last evaluated: 2023-04-27. Review status: no assertion criteria provided. Collection method: clinical testing. Allele origin: germline. Not counted in ClinVar's aggregate classification.
Comment: This variant is classified as likely benign based on ACMG/AMP sequence variant interpretation guidelines (Richards et al. 2015 PMID: 25741868, with internal and published modifications).

NM_004752.4(GCM2):c.1217G>A (p.Arg406Gln)

Gene: GCM2 (glial cells missing transcription factor 2; minus strand). Cytogenetic location: 6p24.2.
Variant type: single nucleotide variant.
Coding change: c.1217G>A on transcript NM_004752.4 (MANE Select); coding-DNA position 1217, G replaced by A.
Protein change: p.Arg406Gln; replaces arginine 406 with glutamine.
Molecular consequence: missense variant.
Genome position (GRCh38, 1-based): chr6:10,874,299, C>T on the plus strand (G>A on the coding strand, the complement: GCM2 is on the minus strand). VCF-style: chr6-10874299-C-T. GRCh37 (hg19) VCF-style: chr6-10874532-C-T.
Other names: c.1217G>A (NM_004752.3); short protein forms R406Q.
Identifiers: ClinVar variation 2053988 (VCV002053988.6), dbSNP rs145034037, ClinGen allele CA3633929.